The following is an entry in ClinVar:

NM_000017.4(ACADS):c.1226G>C (p.Ser409Thr)

Gene: ACADS (acyl-CoA dehydrogenase short chain; plus strand). Cytogenetic location: 12q24.31.
Variant type: single nucleotide variant.
Coding change: c.1226G>C on transcript NM_000017.4 (MANE Select); coding-DNA position 1226, G replaced by C.
Protein change: p.Ser409Thr; replaces serine 409 with threonine.
Molecular consequence: missense variant.
Genome position (GRCh38, 1-based): chr12:120,739,435, G>C. VCF-style: chr12-120739435-G-C. GRCh37 (hg19) VCF-style: chr12-121177238-G-C.
Other names: c.1214G>C, p.Ser405Thr (NM_001302554.2); short protein forms S405T, S409T.
Identifiers: ClinVar variation 2113502 (VCV002113502.4), dbSNP rs749790770, ClinGen allele CA386602037.

ClinVar aggregate classification (germline): Uncertain significance (1 of 4 stars; one submission).

Conditions:
Deficiency of butyryl-CoA dehydrogenase (ACADSD). Also called: SCAD DEFICIENCY, MILD; ACYL-CoA DEHYDROGENASE, SHORT-CHAIN, DEFICIENCY OF; SCADH DEFICIENCY; ACADS DEFICIENCY; SCAD Deficiency; Short-Chain Acyl-CoA Dehydrogenase Deficiency. Identifiers: Orphanet 26792, MedGen C0342783, MONDO:0008722, OMIM 201470. Disease mechanism: May be benign.

Submission:

Labcorp Genetics (formerly Invitae), Labcorp
Classification: Uncertain significance for Deficiency of butyryl-CoA dehydrogenase. Last evaluated: 2022-06-04. Review status: criteria provided, single submitter. Criteria: Invitae Variant Classification Sherloc (09022015). Collection method: clinical testing. Allele origin: germline.
Comment: This sequence change replaces serine, which is neutral and polar, with threonine, which is neutral and polar, at codon 409 of the ACADS protein (p.Ser409Thr). This variant is not present in population databases (gnomAD no frequency). This variant has not been reported in the literature in individuals affected with ACADS-related conditions. Advanced modeling of protein sequence and biophysical properties (such as structural, functional, and spatial information, amino acid conservation, physicochemical variation, residue mobility, and thermodynamic stability) performed at Invitae indicates that this missense variant is not expected to disrupt ACADS protein function. In summary, the available evidence is currently insufficient to determine the role of this variant in disease. Therefore, it has been classified as a Variant of Uncertain Significance.